The following is an entry in ClinVar:

ClinVar aggregate classification (germline): Uncertain significance (1 of 4 stars; one submission).

Conditions:
Norman-Roberts syndrome (LIS2). Also called: Lissencephaly 2 (Norman-Roberts type). Identifiers: Orphanet 89844, MedGen C0796089, MONDO:0009760, OMIM 257320.
Familial temporal lobe epilepsy 7. Identifiers: Orphanet 101046, MedGen C4225327, MONDO:0014639, OMIM 616436.

gnomAD v4.1: 32 of 1,614,006 alleles (0.002%); highest among the groups gnomAD compares: Non-Finnish European, 0.0027%; no homozygotes.

Submission:

Labcorp Genetics (formerly Invitae), Labcorp
Classification: Uncertain significance for Familial temporal lobe epilepsy 7; Norman-Roberts syndrome. Last evaluated: 2025-10-14. Review status: criteria provided, single submitter. Criteria: Invitae Variant Classification Sherloc (09022015). Collection method: clinical testing. Allele origin: germline.
Comment: This sequence change replaces alanine, which is neutral and non-polar, with threonine, which is neutral and polar, at codon 1288 of the RELN protein (p.Ala1288Thr). This variant is not present in population databases (gnomAD no frequency). This variant has not been reported in the literature in individuals affected with RELN-related conditions. ClinVar contains an entry for this variant (Variation ID: 3758681). Invitae Evidence Modeling of protein sequence and biophysical properties (such as structural, functional, and spatial information, amino acid conservation, physicochemical variation, residue mobility, and thermodynamic stability) indicates that this missense variant is not expected to disrupt RELN protein function with a negative predictive value of 80%. In summary, the available evidence is currently insufficient to determine the role of this variant in disease. Therefore, it has been classified as a Variant of Uncertain Significance.

NM_005045.4(RELN):c.3862G>A (p.Ala1288Thr)

Gene: RELN (reelin; minus strand). Cytogenetic location: 7q22.1.
Variant type: single nucleotide variant.
Coding change: c.3862G>A on transcript NM_005045.4 (MANE Select); coding-DNA position 3862, G replaced by A.
Protein change: p.Ala1288Thr; replaces alanine 1288 with threonine.
Molecular consequence: missense variant.
Genome position (GRCh38, 1-based): chr7:103,593,732, C>T on the plus strand (G>A on the coding strand, the complement: RELN is on the minus strand). VCF-style: chr7-103593732-C-T. GRCh37 (hg19) VCF-style: chr7-103234179-C-T.
Other names: c.3862G>A, p.Ala1288Thr (NM_173054.3); short protein forms A1288T.
Identifiers: ClinVar variation 3758681 (VCV003758681.2).